The following is an entry in ClinVar:

ClinVar aggregate classification (germline): Benign/Likely benign. Review status: criteria provided, multiple submitters, no conflicts (2 of 4 stars). 6 submissions from 6 submitters: Benign (5); Likely benign (1). Last evaluated 2026-05-11.

Conditions:
Thyroid dyshormonogenesis 6 (TDH6). Also called: HYPOTHYROIDISM, CONGENITAL, DUE TO DYSHORMONOGENESIS, 6; Genetic transient congenital hypothyroidism; THYROID HORMONOGENESIS, GENETIC DEFECT IN, 6. Identifiers: Orphanet 226316, Orphanet 95716, MedGen C1846632, MONDO:0011792, OMIM 607200.

Allele frequency attached by ClinVar (database versions not stated): ExAC 0.00746; ESP Exome Variant Server 0.02525; gnomAD exomes 0.00625 and 0.00217; gnomAD 0.02189 and 0.02317; 1000 Genomes Project 0.02756; 1000 Genomes Project 30x 0.02873; TOPMed 0.02453.
gnomAD v4.1: 6,715 of 1,613,548 alleles (0.42%); highest among the groups gnomAD compares: African/African-American, 7.4%; 212 homozygotes.

Submissions (6):

Women's Health and Genetics/Laboratory Corporation of America, LabCorp
Classification: Benign. Last evaluated: 2026-05-11. Review status: criteria provided, single submitter. Criteria: LabCorp Variant Classification Summary - May 2015. Collection method: clinical testing. Allele origin: germline.

Labcorp Genetics (formerly Invitae), Labcorp
Classification: Benign. Last evaluated: 2026-02-04. Review status: criteria provided, single submitter. Criteria: Invitae Variant Classification Sherloc (09022015). Collection method: clinical testing. Allele origin: germline.

Mayo Clinic Laboratories, Mayo Clinic
Classification: Benign. Last evaluated: 2025-05-03. Review status: criteria provided, single submitter. Criteria: ACMG Guidelines, 2015. Collection method: clinical testing. Allele origin: germline. Observed: 1 variant allele.

GeneDx
Classification: Benign. Last evaluated: 2018-07-15. Review status: criteria provided, single submitter. Criteria: GeneDx Variant Classification Process June 2021. Collection method: clinical testing. Allele origin: germline. Affected: yes.

Illumina Laboratory Services, Illumina
Classification: Likely benign for Thyroid dyshormonogenesis 6. Last evaluated: 2018-01-12. Review status: criteria provided, single submitter. Criteria: ICSL Variant Classification Criteria 13 December 2019. Collection method: clinical testing. Allele origin: germline.
Comment: This variant was observed in the ICSL laboratory as part of a predisposition screen in an ostensibly healthy population. It had not been previously curated by ICSL or reported in the Human Gene Mutation Database (HGMD: prior to June 1st, 2018), and was therefore a candidate for classification through an automated scoring system. Utilizing variant allele frequency, disease prevalence and penetrance estimates, and inheritance mode, an automated score was calculated to assess if this variant is too frequent to cause the disease. Based on the score and internal cut-off values, a variant classified as likely benign is not then subjected to further curation. The score for this variant resulted in a classification of likely benign for this disease.

PreventionGenetics, part of Exact Sciences
Classification: Benign. Review status: criteria provided, single submitter. Criteria: ACMG Guidelines, 2015. Collection method: clinical testing. Allele origin: germline.

NM_001363711.2(DUOX2):c.1693+10G>A

Gene: DUOX2 (dual oxidase 2; minus strand). Cytogenetic location: 15q21.1.
Variant type: single nucleotide variant.
Coding change: c.1693+10G>A on transcript NM_001363711.2 (MANE Select); 10 bases into the intron after coding-DNA position 1693, G replaced by A.
Molecular consequence: intron variant.
Genome position (GRCh38, 1-based): chr15:45,107,335, C>T on the plus strand (G>A on the coding strand, the complement: DUOX2 is on the minus strand). VCF-style: chr15-45107335-C-T. GRCh37 (hg19) VCF-style: chr15-45399533-C-T.
Other names: p.?; c.1693+10G>A (NM_014080.5).
Identifiers: ClinVar variation 260316 (VCV000260316.19), dbSNP rs76411432, ClinGen allele CA7538529.